The following is an entry in ClinVar:

ClinVar aggregate classification (germline): Uncertain significance (1 of 4 stars; one submission).

Conditions:
Inborn genetic diseases. Identifiers: MedGen C0950123, MeSH D030342.

Submission:

Ambry Genetics
Classification: Uncertain significance for Inborn genetic diseases. Last evaluated: 2024-09-20. Review status: criteria provided, single submitter. Criteria: Ambry Variant Classification Scheme 2023. Collection method: clinical testing. Allele origin: germline.
Comment: The p.K2395R variant (also known as c.7184A>G), located in coding exon 42 of the ATR gene, results from an A to G substitution at nucleotide position 7184. The lysine at codon 2395 is replaced by arginine, an amino acid with highly similar properties. This amino acid position is conserved. In addition, the in silico prediction for this alteration is inconclusive. Based on the available evidence, the clinical significance of this variant remains unclear.

NM_001184.4(ATR):c.7184A>G (p.Lys2395Arg)

Gene: ATR (ATR serine/threonine kinase; minus strand). Cytogenetic location: 3q23.
Variant type: single nucleotide variant.
Coding change: c.7184A>G on transcript NM_001184.4 (MANE Select); coding-DNA position 7184, A replaced by G.
Protein change: p.Lys2395Arg; replaces lysine 2395 with arginine.
Molecular consequence: missense variant.
Genome position (GRCh38, 1-based): chr3:142,461,948, T>C on the plus strand (A>G on the coding strand, the complement: ATR is on the minus strand). VCF-style: chr3-142461948-T-C. GRCh37 (hg19) VCF-style: chr3-142180790-T-C.
Other names: c.6992A>G, p.Lys2331Arg (NM_001354579.2); short protein forms K2331R, K2395R.
Identifiers: ClinVar variation 3462728 (VCV003462728.1).